The following is an entry in ClinVar:

NC_000023.10:g.(?_18674753)_(18674898_?)del

Gene: RS1 (retinoschisin 1; minus strand). Cytogenetic location: Xp22.13.
Variant type: Deletion.
Identifiers: ClinVar variation 2422907 (VCV002422907.4).

ClinVar aggregate classification (germline): Pathogenic (1 of 4 stars; one submission).

Submission:

Labcorp Genetics (formerly Invitae), Labcorp
Classification: Pathogenic. Last evaluated: 2022-11-08. Review status: criteria provided, single submitter. Criteria: Invitae Variant Classification Sherloc (09022015). Collection method: clinical testing. Allele origin: germline.
Comment: For these reasons, this variant has been classified as Pathogenic. A similar copy number variant has been observed in individual(s) with X-linked retinoschisis (PMID: 30652005). This variant is a gross deletion of the genomic region encompassing exon(s) 3 of the RS1 gene. This deletion is out-of-frame, and is expected to create a premature termination codon and result in an absent or disrupted protein product. Loss-of-function variants in RS1 are known to be pathogenic (PMID: 9618178, 17172462).

Literature cited by the submitters: PubMed 30652005; PubMed 9618178; PubMed 17172462.